The following is an entry in ClinVar:

NM_000494.4(COL17A1):c.4000del (p.Arg1334fs)

Gene: COL17A1 (collagen type XVII alpha 1 chain; minus strand). Cytogenetic location: 10q25.1.
Variant type: Deletion.
Coding change: c.4000del on transcript NM_000494.4 (MANE Select); coding-DNA position 4000, one base deleted (A; older notation c.4000delA).
Protein change: p.Arg1334fs; shifts the reading frame from arginine 1334.
Molecular consequence: frameshift variant.
Genome position (GRCh38, 1-based): chr10:104,034,101, T deleted on the plus strand (A on the coding strand, the reverse complement: COL17A1 is on the minus strand). VCF-style (leftmost placement, unchanged base first): chr10-104034100-CT-C. GRCh37 (hg19) VCF-style: chr10-105793858-CT-C.
Other names: c.4000del, p.Arg1334fs (LRG_1249t1); short protein forms R1334fs.
Identifiers: ClinVar variation 422593 (VCV000422593.2), dbSNP rs775251483, ClinGen allele CA5677743.
Genomic context (GRCh38, chr10:104,034,100, plus strand): 5'-CCGCCTTCTGCTGCTGCCCCATAGCCTCCGCCTGGGCCGATGTCAGTGCCATAGGGACCC[CT>C]GTCTCCTGCAGCTTCACCAAAGGCACCGCCTGCACCCAGGGAGCCTGCACCACCTCCTCC-3'

ClinVar aggregate classification (germline): Pathogenic (1 of 4 stars; one submission).

Allele frequency attached by ClinVar (database versions not stated): gnomAD exomes below 0.00001; TOPMed below 0.00001; ExAC 0.00001.

Submission:

GeneDx
Classification: Pathogenic. Last evaluated: 2016-10-28. Review status: criteria provided, single submitter. Criteria: GeneDx Variant Classification (06012015). Collection method: clinical testing. Allele origin: germline. Affected: yes.
Comment: The c.4000delA pathogenic variant in the COL17A1 gene has not been reported previously as a pathogenic variant nor as a benign variant, to our knowledge. The c.4000delA variant causes a frameshift starting with codon Arg1334, changes this amino acid to a Glycine residue, and creates a premature Stop codon at position 45 of the new reading frame, denoted p.Arg1334GlyfsX45. This variant is predicted to cause loss of normal protein function either through protein truncation or nonsense-mediated mRNA decay. The c.4000delA variant was not observed in approximately 6500 individuals of European and African American ancestry in the NHLBI Exome Sequencing Project, indicating it is not a common benign variant in these populations. We interpret c.4000delA as a pathogenic variant.